The following is an entry in ClinVar:

NM_003001.5(SDHC):c.194T>C (p.Met65Thr)

Gene: SDHC (succinate dehydrogenase complex subunit C; plus strand). Cytogenetic location: 1q23.3.
Variant type: single nucleotide variant.
Coding change: c.194T>C on transcript NM_003001.5 (MANE Select); coding-DNA position 194, T replaced by C.
Protein change: p.Met65Thr; replaces methionine 65 with threonine.
Molecular consequence: missense variant. On other transcripts: non-coding transcript variant (1).
Genome position (GRCh38, 1-based): chr1:161,340,608, T>C. VCF-style: chr1-161340608-T-C. GRCh37 (hg19) VCF-style: chr1-161310398-T-C.
Other names: c.194T>C, p.Met65Thr (NM_001035511.3); c.92T>C, p.Met31Thr (NM_001035512.3, NM_001278172.3, NM_001407118.1); c.35T>C, p.Met12Thr (NM_001035513.3); c.314T>C, p.Met105Thr (NM_001407115.1); c.137T>C, p.Met46Thr (NM_001407116.1, NM_001407117.1, NM_001407121.1); c.83T>C, p.Met28Thr (NM_001407119.1, NM_001407120.1); short protein forms M65T, M105T, M12T, M31T, M28T, M46T.
Identifiers: ClinVar variation 5029332 (VCV005029332.1).

ClinVar aggregate classification (germline): Uncertain significance (1 of 4 stars; one submission).

Conditions:
Hereditary cancer-predisposing syndrome. Also called: Neoplastic Syndromes, Hereditary; Tumor predisposition; Hereditary neoplastic syndrome; Hereditary Cancer Syndrome. Identifiers: Orphanet 140162, MedGen C0027672, MeSH D009386, MONDO:0015356.

Submission:

Ambry Genetics
Classification: Uncertain significance for Hereditary cancer-predisposing syndrome. Last evaluated: 2026-07-07. Review status: criteria provided, single submitter. Criteria: Ambry Variant Classification Scheme 2023. Collection method: clinical testing. Allele origin: germline.
Comment: The p.M65T variant (also known as c.194T>C), located in coding exon 4 of the SDHC gene, results from a T to C substitution at nucleotide position 194. The methionine at codon 65 is replaced by threonine, an amino acid with similar properties. This amino acid position is conserved. In addition, this alteration is predicted to be deleterious by in silico analysis. Based on the available evidence, the clinical significance of this variant remains unclear.